The following is an entry in ClinVar:

ClinVar aggregate classification (germline): Uncertain significance (1 of 4 stars; one submission).

Conditions:
CEP290-related disorder. Also called: CEP290-related disorders; CEP290-related condition. Identifiers: MedGen CN239314.

gnomAD v4.1: 1 of 1,554,586 alleles (0.000064%); highest among the groups gnomAD compares: Non-Finnish European, 0.000087%; no homozygotes.

Submission:

PreventionGenetics, part of Exact Sciences
Classification: Uncertain significance for CEP290-related condition. Last evaluated: 2025-10-16. Review status: criteria provided, single submitter. Criteria: ACMG Guidelines, 2015. Collection method: clinical testing. Allele origin: germline.
Comment: The CEP290 c.6865A>G variant is predicted to result in the amino acid substitution p.Lys2289Glu. To our knowledge, this variant has not been reported in the literature or in a large population database (gnomAD), indicating this variant is rare. At this time, the clinical significance of this variant is uncertain due to the absence of conclusive functional and genetic evidence.

NM_025114.4(CEP290):c.6865A>G (p.Lys2289Glu)

Gene: CEP290 (centrosomal protein 290; minus strand). Cytogenetic location: 12q21.32.
Variant type: single nucleotide variant.
Coding change: c.6865A>G on transcript NM_025114.4 (MANE Select); coding-DNA position 6865, A replaced by G.
Protein change: p.Lys2289Glu; replaces lysine 2289 with glutamic acid.
Molecular consequence: missense variant.
Genome position (GRCh38, 1-based): chr12:88,055,671, T>C on the plus strand (A>G on the coding strand, the complement: CEP290 is on the minus strand). VCF-style: chr12-88055671-T-C. GRCh37 (hg19) VCF-style: chr12-88449448-T-C.
Other names: short protein forms K2289E.
Identifiers: ClinVar variation 4978121 (VCV004978121.1).